The following is an entry in ClinVar:

ClinVar aggregate classification (germline): Conflicting classifications of pathogenicity. Review status: criteria provided, conflicting classifications (1 of 4 stars). 5 submissions from 5 submitters: Uncertain significance (4); Benign (1). Last evaluated 2026-01-26.

Conditions:
Epilepsy, childhood absence, susceptibility to, 6. Identifiers: Orphanet 64280, MedGen C2749872, MONDO:0012763, OMIM 611942.
Hyperaldosteronism, familial, type IV (HALD4). Also called: FH IV; ALDOSTERONISM, PRIMARY, AND HYPERTENSION. Identifiers: Orphanet 642671, MedGen C4310756, MONDO:0014875, OMIM 617027.
Idiopathic generalized epilepsy. Also called: EIG; Generalised epilepsy. Identifiers: MedGen C0270850, MONDO:0005579, OMIM 600669.
Inborn genetic diseases. Identifiers: MedGen C0950123, MeSH D030342.

Allele frequency attached by ClinVar (database versions not stated): gnomAD exomes 0.00006 and 0.00008; gnomAD 0.00007 and 0.00009; TOPMed 0.00009; 1000 Genomes Project 30x 0.00016; 1000 Genomes Project 0.00020.
gnomAD v4.1: 131 of 1,453,878 alleles (0.009%); highest among the groups gnomAD compares: Middle Eastern, 0.092%; no homozygotes.

Submissions (5):

Labcorp Genetics (formerly Invitae), Labcorp
Classification: Benign for Idiopathic generalized epilepsy; Hyperaldosteronism, familial, type IV. Last evaluated: 2026-01-26. Review status: criteria provided, single submitter. Criteria: Invitae Variant Classification Sherloc (09022015). Collection method: clinical testing. Allele origin: germline.

GeneDx
Classification: Uncertain significance. Last evaluated: 2024-07-17. Review status: criteria provided, single submitter. Criteria: GeneDx Variant Classification Process June 2021. Collection method: clinical testing. Allele origin: germline. Affected: yes.
Comment: In silico analysis indicates that this missense variant does not alter protein structure/function; Has not been previously published as pathogenic or benign to our knowledge

Ambry Genetics
Classification: Uncertain significance for Inborn genetic diseases. Last evaluated: 2023-03-07. Review status: criteria provided, single submitter. Criteria: Ambry Variant Classification Scheme 2023. Collection method: clinical testing. Allele origin: germline.

Fulgent Genetics
Classification: Uncertain significance for Epilepsy, childhood absence, susceptibility to, 6; Hyperaldosteronism, familial, type IV. Last evaluated: 2022-02-09. Review status: criteria provided, single submitter. Criteria: ACMG Guidelines, 2015. Collection method: clinical testing. Allele origin: unknown.

Breakthrough Genomics
Classification: Uncertain significance. Review status: criteria provided, single submitter. Criteria: ACMG Guidelines, 2015. Collection method: not provided. Allele origin: germline. Inheritance: Autosomal dominant inheritance. Affected: yes.

NM_021098.3(CACNA1H):c.171G>T (p.Glu57Asp)

Gene: CACNA1H (calcium voltage-gated channel subunit alpha1 H; plus strand). Cytogenetic location: 16p13.3.
Variant type: single nucleotide variant.
Coding change: c.171G>T on transcript NM_021098.3 (MANE Select); coding-DNA position 171, G replaced by T.
Protein change: p.Glu57Asp; replaces glutamic acid 57 with aspartic acid.
Molecular consequence: missense variant.
Genome position (GRCh38, 1-based): chr16:1,153,908, G>T. VCF-style: chr16-1153908-G-T. GRCh37 (hg19) VCF-style: chr16-1203908-G-T.
Other names: c.171G>T, p.Glu57Asp (NM_001005407.2); short protein forms E57D.
Identifiers: ClinVar variation 529580 (VCV000529580.15), dbSNP rs539324457, ClinGen allele CA276601167.